The following is an entry in ClinVar:

NM_004176.5(SREBF1):c.2972C>T (p.Pro991Leu)

Gene: SREBF1 (sterol regulatory element binding transcription factor 1; minus strand). Cytogenetic location: 17p11.2.
Variant type: single nucleotide variant.
Coding change: c.2972C>T on transcript NM_004176.5 (MANE Select); coding-DNA position 2972, C replaced by T.
Protein change: p.Pro991Leu; replaces proline 991 with leucine.
Molecular consequence: missense variant. On other transcripts: non-coding transcript variant (4).
Genome position (GRCh38, 1-based): chr17:17,813,699, G>A on the plus strand (C>T on the coding strand, the complement: SREBF1 is on the minus strand). VCF-style: chr17-17813699-G-A. GRCh37 (hg19) VCF-style: chr17-17717013-G-A.
Other names: c.2966C>T, p.Pro989Leu (NM_001388389.1); c.2954C>T, p.Pro985Leu (NM_001388390.1); c.2945C>T, p.Pro982Leu (NM_001388391.1); c.2750C>T, p.Pro917Leu (NM_001388392.1); c.2591C>T, p.Pro864Leu (NM_001388393.1); c.2540C>T, p.Pro847Leu (NM_001388394.1); c.3062C>T, p.Pro1021Leu (NM_001005291.3); c.2900C>T, p.Pro967Leu (NM_001321096.3); and 4 more; short protein forms P1004L, P1020L, P1021L, P847L, P864L, P917L, P967L, P976L.
Identifiers: ClinVar variation 4820923 (VCV004820923.4).

ClinVar aggregate classification (germline): Benign (1 of 4 stars; one submission).

gnomAD v4.1: 3,236 of 1,538,426 alleles (0.21%); highest among the groups gnomAD compares: Non-Finnish European, 0.24%; 7 homozygotes.

Submission:

CeGaT Center for Human Genetics Tuebingen
Classification: Benign. Last evaluated: 2026-02-01. Review status: criteria provided, single submitter. Criteria: CeGaT Center For Human Genetics Tuebingen Variant Classification Criteria Version 2. Collection method: clinical testing. Allele origin: germline. Affected: yes. Observed: 1 variant allele.
Comment: SREBF1: BP4, BS1, BS2